The following is an entry in ClinVar:

ClinVar aggregate classification (germline): Likely benign. Review status: criteria provided, multiple submitters, no conflicts (2 of 4 stars). 5 submissions from 5 submitters: Likely benign (4). 1 of the submissions does not count toward it. Last evaluated 2026-01-24.

Conditions:
ERBB3-related disorder. Also called: ERBB3-related condition.

Allele frequency attached by ClinVar (database versions not stated): TOPMed 0.00286; 1000 Genomes Project 0.00120; 1000 Genomes Project 30x 0.00156; gnomAD 0.00281 and 0.00291; ESP Exome Variant Server 0.00392; gnomAD exomes 0.00403.
gnomAD v4.1: 6,228 of 1,614,074 alleles (0.39%); highest among the groups gnomAD compares: Non-Finnish European, 0.49%; 22 homozygotes.

Submissions (5):

Labcorp Genetics (formerly Invitae), Labcorp
Classification: Likely benign. Last evaluated: 2026-01-24. Review status: criteria provided, single submitter. Criteria: Invitae Variant Classification Sherloc (09022015). Collection method: clinical testing. Allele origin: germline.

PreventionGenetics, part of Exact Sciences
Classification: Likely benign for ERBB3-related condition. Last evaluated: 2025-05-01. Review status: criteria provided, single submitter. Criteria: ACMG Guidelines, 2015. Collection method: clinical testing. Allele origin: germline.
Comment: This variant is classified as likely benign based on ACMG/AMP sequence variant interpretation guidelines (Richards et al. 2015 PMID: 25741868, with internal and published modifications).

CeGaT Center for Human Genetics Tuebingen
Classification: Likely benign. Last evaluated: 2025-03-01. Review status: criteria provided, single submitter. Criteria: CeGaT Center For Human Genetics Tuebingen Variant Classification Criteria Version 2. Collection method: clinical testing. Allele origin: germline. Affected: yes. Observed: 2 variant alleles.
Comment: ERBB3: PP2, BS2

Blueprint Genetics
Classification: Likely benign. Last evaluated: 2024-11-11. Review status: criteria provided, single submitter. Criteria: ACMG Guidelines, 2015. Collection method: clinical testing. Allele origin: germline.

Department of Pathology and Laboratory Medicine, Sinai Health System
Classification: Likely benign. Review status: no assertion criteria provided. Collection method: clinical testing. Allele origin: unknown. Affected: yes. Study: The Canadian Open Genetics Repository (COGR). Not counted in ClinVar's aggregate classification.
Comment: The ERBB3 p.Leu1177Ile variant was identified in the literature in a colorectal tumor with multiple other variants identified (Silverstein_2019_PMID:31370007). The variant was identified in dbSNP (ID: rs55699040) and ClinVar (classified as likely benign by Invitae). The variant was identified in control databases in 673 of 282866 chromosomes (2 homozygous) at a frequency of 0.002379 increasing the likelihood this could be a low frequency benign variant (Genome Aggregation Database March 6, 2019, v2.1.1). The variant was observed in the following populations: European (non-Finnish) in 569 of 129182 chromosomes (freq: 0.004405), Other in 19 of 7228 chromosomes (freq: 0.002629), Ashkenazi Jewish in 12 of 10370 chromosomes (freq: 0.001157), Latino in 37 of 35438 chromosomes (freq: 0.001044), African in 23 of 24960 chromosomes (freq: 0.000922), European (Finnish) in 11 of 25118 chromosomes (freq: 0.000438) and South Asian in 2 of 30616 chromosomes (freq: 0.000065), but was not observed in the East Asian population. The p.Leu1177 residue is conserved in mammals and computational analyses (PolyPhen-2, SIFT, AlignGVGD, BLOSUM, MutationTaster) provide inconsistent predictions regarding the impact to the protein; this information is not very predictive of pathogenicity. The variant occurs outside of the splicing consensus sequence and 1 of 4 in silico or computational prediction software programs (SpliceSiteFinder, MaxEntScan, NNSPLICE, GeneSplicer) predict a greater than 10% difference in splicing; this is not very predictive of pathogenicity. In summary, based on the above information the clinical significance of this variant cannot be determined with certainty at this time although we would lean towards a more benign role for this variant. This variant is classified as likely benign.

NM_001982.4(ERBB3):c.3529C>A (p.Leu1177Ile)

Gene: ERBB3 (erb-b2 receptor tyrosine kinase 3; plus strand). Cytogenetic location: 12q13.2.
Variant type: single nucleotide variant.
Coding change: c.3529C>A on transcript NM_001982.4 (MANE Select); coding-DNA position 3529, C replaced by A.
Protein change: p.Leu1177Ile; replaces leucine 1177 with isoleucine.
Molecular consequence: missense variant.
Genome position (GRCh38, 1-based): chr12:56,101,555, C>A. VCF-style: chr12-56101555-C-A. GRCh37 (hg19) VCF-style: chr12-56495339-C-A.
Other names: short protein forms L1177I.
Identifiers: ClinVar variation 715634 (VCV000715634.49), dbSNP rs55699040, ClinGen allele CA6623004.